The following is an entry in ClinVar:

ClinVar aggregate classification (germline): Benign/Likely benign. Review status: criteria provided, multiple submitters, no conflicts (2 of 4 stars). 8 submissions from 8 submitters: Benign (4); Likely benign (4). Last evaluated 2026-07-01.

Conditions:
Familial sleep-related hypermotor epilepsy. Also called: Autosomal Dominant Sleep-Related Hypermotor (Hyperkinetic) Epilepsy. Identifiers: Orphanet 98784, MedGen C3696898, MONDO:0000030.
Inborn genetic diseases. Identifiers: MedGen C0950123, MeSH D030342.

Allele frequency attached by ClinVar (database versions not stated): 1000 Genomes Project 30x 0.00047; 1000 Genomes Project 0.00060; TOPMed 0.00075; gnomAD 0.00122; gnomAD exomes 0.00137 and 0.00143; ESP Exome Variant Server 0.00154; ExAC 0.00158.
gnomAD v4.1: 2,241 of 1,613,930 alleles (0.14%); highest among the groups gnomAD compares: South Asian, 0.17%; 5 homozygotes.

Submissions (8):

CeGaT Center for Human Genetics Tuebingen
Classification: Likely benign. Last evaluated: 2026-07-01. Review status: criteria provided, single submitter. Criteria: CeGaT Center For Human Genetics Tuebingen Variant Classification Criteria Version 2. Collection method: clinical testing. Allele origin: germline. Affected: yes. Observed: 19 variant alleles.
Comment: CHRNA4: BP4, BP7

Labcorp Genetics (formerly Invitae), Labcorp
Classification: Benign. Last evaluated: 2026-01-12. Review status: criteria provided, single submitter. Criteria: Invitae Variant Classification Sherloc (09022015). Collection method: clinical testing. Allele origin: germline.

Blueprint Genetics
Classification: Likely benign. Last evaluated: 2024-11-18. Review status: criteria provided, single submitter. Criteria: ACMG Guidelines, 2015. Collection method: clinical testing. Allele origin: germline.

Athena Diagnostics
Classification: Benign. Last evaluated: 2017-01-26. Review status: criteria provided, single submitter. Criteria: Athena Diagnostics Criteria. Collection method: clinical testing. Allele origin: germline.

Ambry Genetics
Classification: Likely benign for Inborn genetic diseases. Last evaluated: 2016-05-06. Review status: criteria provided, single submitter. Criteria: Ambry Variant Classification Scheme 2023. Collection method: clinical testing. Allele origin: germline.

Eurofins Ntd Llc (ga)
Classification: Benign. Last evaluated: 2016-01-07. Review status: criteria provided, single submitter. Criteria: EGL Classification Definitions 2015. Collection method: clinical testing. Allele origin: germline. Observed: 1 variant allele, 1 heterozygote.

GeneDx
Classification: Benign. Last evaluated: 2014-02-06. Review status: criteria provided, single submitter. Criteria: GeneDx Variant Classification (06012015). Collection method: clinical testing. Allele origin: germline. Affected: yes.
Comment: This variant is considered likely benign or benign based on one or more of the following criteria: it is a conservative change, it occurs at a poorly conserved position in the protein, it is predicted to be benign by multiple in silico algorithms, and/or has population frequency not consistent with disease.

Breakthrough Genomics
Classification: Likely benign. Review status: criteria provided, single submitter. Criteria: ACMG Guidelines, 2015. Collection method: not provided. Allele origin: germline. Inheritance: Autosomal dominant inheritance. Affected: yes.

NM_000744.7(CHRNA4):c.978C>T (p.Phe326=)

Gene: CHRNA4 (cholinergic receptor nicotinic alpha 4 subunit; minus strand). Cytogenetic location: 20q13.33.
Variant type: single nucleotide variant.
Coding change: c.978C>T on transcript NM_000744.7 (MANE Select); coding-DNA position 978, C replaced by T.
Protein change: p.Phe326=; no amino-acid change (phenylalanine 326 retained).
Molecular consequence: synonymous variant. On other transcripts: non-coding transcript variant (1).
Genome position (GRCh38, 1-based): chr20:63,350,433, G>A on the plus strand (C>T on the coding strand, the complement: CHRNA4 is on the minus strand). VCF-style: chr20-63350433-G-A. GRCh37 (hg19) VCF-style: chr20-61981785-G-A.
Other names: p.F326F:TTC>TTT; c.450C>T, p.Phe150= (NM_001256573.2).
Identifiers: ClinVar variation 136757 (VCV000136757.81), dbSNP rs76270730, ClinGen allele CA303018.